The following is an entry in ClinVar:

ClinVar aggregate classification (germline): Pathogenic (1 of 4 stars; one submission).

Submission:

Labcorp Genetics (formerly Invitae), Labcorp
Classification: Pathogenic. Last evaluated: 2023-07-17. Review status: criteria provided, single submitter. Criteria: Invitae Variant Classification Sherloc (09022015). Collection method: clinical testing. Allele origin: germline.
Comment: This sequence change creates a premature translational stop signal (p.Lys65*) in the GRHPR gene. It is expected to result in an absent or disrupted protein product. Loss-of-function variants in GRHPR are known to be pathogenic (PMID: 25644115). For these reasons, this variant has been classified as Pathogenic. This variant has not been reported in the literature in individuals affected with GRHPR-related conditions. This variant is not present in population databases (gnomAD no frequency).

Literature cited by the submitters: PubMed 25644115.

NM_012203.2(GRHPR):c.193A>T (p.Lys65Ter)

Gene: GRHPR (glyoxylate and hydroxypyruvate reductase; plus strand). Cytogenetic location: 9p13.2.
Variant type: single nucleotide variant.
Coding change: c.193A>T on transcript NM_012203.2 (MANE Select); coding-DNA position 193, A replaced by T.
Protein change: p.Lys65Ter; replaces lysine 65 with a stop codon.
Molecular consequence: nonsense.
Genome position (GRCh38, 1-based): chr9:37,424,954, A>T. VCF-style: chr9-37424954-A-T. GRCh37 (hg19) VCF-style: chr9-37424951-A-T.
Other names: short protein forms K65*.
Identifiers: ClinVar variation 2744272 (VCV002744272.3), dbSNP rs2489232420, ClinGen allele CA373441680.